The following is an entry in ClinVar:

NM_032634.4(PIGO):c.2257del (p.Ser753fs)

Gene: PIGO (phosphatidylinositol glycan anchor biosynthesis class O; minus strand). Cytogenetic location: 9p13.3.
Variant type: Deletion.
Coding change: c.2257del on transcript NM_032634.4 (MANE Select); coding-DNA position 2257, one base deleted (T; older notation c.2257delT).
Protein change: p.Ser753fs; shifts the reading frame from serine 753.
Molecular consequence: frameshift variant. On other transcripts: intron variant (2).
Genome position (GRCh38, 1-based): chr9:35,091,630, A deleted on the plus strand (T on the coding strand, the reverse complement: PIGO is on the minus strand); the first of 2 consecutive A bases (chr9:35,091,630-35,091,631); deleting either gives the same sequence. VCF-style (leftmost placement, unchanged base first): chr9-35091629-GA-G. GRCh37 (hg19) VCF-style: chr9-35091626-GA-G.
Other names: c.1345-339del (NM_152850.4, NM_001201484.2); short protein forms S753fs.
Identifiers: ClinVar variation 1068540 (VCV001068540.2), dbSNP rs2131074579, ClinGen allele CA2499219864.
Genomic context (GRCh38, chr9:35,091,629, plus strand): 5'-GCGCCTGCCCCAGCCTTCACCAGCACTGTCACAGGCTTCCAGAGCAGCAGCGCGAGCCCT[GA>G]AGCAGCCAGCCCTGCTACAGCCCGAGGCAGCACCATGGATGCCCCAGAGACCAGGACCCG-3'

ClinVar aggregate classification (germline): Pathogenic (1 of 4 stars; one submission).

Conditions:
Hyperphosphatasia with impaired intellectual development syndrome 2. Also called: Hyperphosphatasia with intellectual disability syndrome 2; GLYCOSYLPHOSPHATIDYLINOSITOL BIOSYNTHESIS DEFECT 6. Identifiers: Orphanet 247262, MedGen C3553637, MONDO:0013882, OMIM 614749.

Submission:

Labcorp Genetics (formerly Invitae), Labcorp
Classification: Pathogenic for Hyperphosphatasia with impaired intellectual development syndrome 2. Last evaluated: 2020-03-18. Review status: criteria provided, single submitter. Criteria: Invitae Variant Classification Sherloc (09022015). Collection method: clinical testing. Allele origin: germline.
Comment: This sequence change creates a premature translational stop signal (p.Ser753Glnfs*11) in the PIGO gene. It is expected to result in an absent or disrupted protein product. This variant is not present in population databases (ExAC no frequency). This variant has not been reported in the literature in individuals with PIGO-related conditions. Loss-of-function variants in PIGO are known to be pathogenic (PMID: 22683086, 24417746). For these reasons, this variant has been classified as Pathogenic.

Literature cited by the submitters: PubMed 22683086; PubMed 24417746.